The following is an entry in ClinVar:

ClinVar aggregate classification (germline): Uncertain significance. Review status: criteria provided, multiple submitters, no conflicts (2 of 4 stars). 2 submissions from 2 submitters: Uncertain significance (2). Last evaluated 2024-06-05.

Conditions:
Inborn genetic diseases. Identifiers: MedGen C0950123, MeSH D030342.

Allele frequency attached by ClinVar (database versions not stated): ExAC 0.00001; gnomAD exomes 0.00001.
gnomAD v4.1: 9 of 1,614,140 alleles (0.00056%); highest among the groups gnomAD compares: Admixed American, 0.0033%; no homozygotes.

Submissions (2):

Ambry Genetics
Classification: Uncertain significance for Inborn genetic diseases. Last evaluated: 2024-06-05. Review status: criteria provided, single submitter. Criteria: Ambry Variant Classification Scheme 2023. Collection method: clinical testing. Allele origin: germline.

Labcorp Genetics (formerly Invitae), Labcorp
Classification: Uncertain significance. Last evaluated: 2023-07-16. Review status: criteria provided, single submitter. Criteria: Invitae Variant Classification Sherloc (09022015). Collection method: clinical testing. Allele origin: germline.
Comment: In summary, the available evidence is currently insufficient to determine the role of this variant in disease. Therefore, it has been classified as a Variant of Uncertain Significance. Advanced modeling of protein sequence and biophysical properties (such as structural, functional, and spatial information, amino acid conservation, physicochemical variation, residue mobility, and thermodynamic stability) performed at Invitae indicates that this missense variant is not expected to disrupt ATP5A1 protein function. This variant has not been reported in the literature in individuals affected with ATP5A1-related conditions. This variant is present in population databases (rs776829339, gnomAD 0.006%). This sequence change replaces lysine, which is basic and polar, with arginine, which is basic and polar, at codon 402 of the ATP5A1 protein (p.Lys402Arg).

NM_004046.6(ATP5F1A):c.1205A>G (p.Lys402Arg)

Gene: ATP5F1A (ATP synthase F1 subunit alpha; minus strand). Cytogenetic location: 18q21.1.
Variant type: single nucleotide variant.
Coding change: c.1205A>G on transcript NM_004046.6 (MANE Select); coding-DNA position 1205, A replaced by G.
Protein change: p.Lys402Arg; replaces lysine 402 with arginine.
Molecular consequence: missense variant.
Genome position (GRCh38, 1-based): chr18:46,086,466, T>C on the plus strand (A>G on the coding strand, the complement: ATP5F1A is on the minus strand). VCF-style: chr18-46086466-T-C. GRCh37 (hg19) VCF-style: chr18-43666432-T-C.
Other names: c.1055A>G, p.Lys352Arg (NM_001001935.3, NM_001257335.2); c.1205A>G, p.Lys402Arg (NM_001001937.2); c.1139A>G, p.Lys380Arg (NM_001257334.2); c.1205A>G (NM_001001937.1); short protein forms K352R, K402R, K380R.
Identifiers: ClinVar variation 2991150 (VCV002991150.4), dbSNP rs776829339, ClinGen allele CA8950625.